The following is an entry in ClinVar:

NM_004960.4(FUS):c.1007_1008dup (p.Ala337fs)

Gene: FUS (FUS RNA binding protein; plus strand). Cytogenetic location: 16p11.2.
Variant type: Microsatellite.
Coding change: c.1007_1008dup on transcript NM_004960.4 (MANE Select); coding-DNA positions 1007 to 1008, 2 bases duplicated (AG; older notation c.1007_1008dupAG).
Protein change: p.Ala337fs; shifts the reading frame from alanine 337.
Molecular consequence: frameshift variant. On other transcripts: non-coding transcript variant (1).
Genome position (GRCh38, 1-based): chr16:31,189,735-31,189,736, AG duplicated; duplicating any 2 consecutive bases within chr16:31,189,732-31,189,736 gives the same sequence; the c. name uses the placement nearest the transcript's 3' end. VCF-style (leftmost placement, unchanged base first): chr16-31189731-G-GGA. GRCh37 (hg19) VCF-style: chr16-31201052-G-GGA.
Other names: c.1007_1008dup (NM_004960.3); c.1004_1005dup, p.Ala336fs (NM_001170634.1); c.995_996dup, p.Ala333fs (NM_001170937.1); c.1005_1006AG[3], p.Ala337Argfs (NM_004960.3); short protein forms A333fs, A336fs, A337fs.
Identifiers: ClinVar variation 4685197 (VCV004685197.1).

ClinVar aggregate classification (germline): Uncertain significance (1 of 4 stars; one submission).

Submission:

GeneDx
Classification: Uncertain significance. Last evaluated: 2025-07-09. Review status: criteria provided, single submitter. Criteria: GeneDx Variant Classification Process June 2021. Collection method: clinical testing. Allele origin: germline. Affected: yes.
Comment: Not observed at significant frequency in large population cohorts (gnomAD); Has not been previously published as pathogenic or benign to our knowledge; Frameshift variant predicted to result in protein truncation or nonsense mediated decay in a gene for which loss-of-function is not an established mechanism of disease